The following is an entry in ClinVar:

NM_003737.4(DCHS1):c.7462C>T (p.Arg2488Cys)

Gene: DCHS1 (dachsous cadherin-related 1; minus strand). Cytogenetic location: 11p15.4.
Variant type: single nucleotide variant.
Coding change: c.7462C>T on transcript NM_003737.4 (MANE Select); coding-DNA position 7462, C replaced by T.
Protein change: p.Arg2488Cys; replaces arginine 2488 with cysteine.
Molecular consequence: missense variant.
Genome position (GRCh38, 1-based): chr11:6,624,214, G>A on the plus strand (C>T on the coding strand, the complement: DCHS1 is on the minus strand). VCF-style: chr11-6624214-G-A. GRCh37 (hg19) VCF-style: chr11-6645445-G-A.
Other names: c.7462C>T (NM_003737.2); short protein forms R2488C.
Identifiers: ClinVar variation 2962923 (VCV002962923.4), dbSNP rs747489232, ClinGen allele CA5859593.
Genomic context (GRCh38, chr11:6,624,214, plus strand): 5'-CTGTAGCCTCCAGGGTGAGCAGAGTGGAGCCAGGGGGCAGGTCTTCAGTCACAGCCACAC[G>A]GTAGTGTGACAATGTGAAGCTCGGGGCGTGGTCGTTCTGGTCCTGCAGCTGCACGTGCAC-3'
Protein context (NP_003728.1, residues 2478-2498): HAPSFTLSHY[Arg2488Cys]VAVTEDLPPG

ClinVar aggregate classification (germline): Uncertain significance. Review status: criteria provided, multiple submitters, no conflicts (2 of 4 stars). 2 submissions from 2 submitters: Uncertain significance (2). Last evaluated 2025-04-16.

Conditions:
Inborn genetic diseases. Identifiers: MedGen C0950123, MeSH D030342.

Allele frequency attached by ClinVar (database versions not stated): ExAC 0.00002; gnomAD 0.00002; TOPMed 0.00006.
gnomAD v4.1: 50 of 1,613,252 alleles (0.0031%); highest among the groups gnomAD compares: Non-Finnish European, 0.0039%; no homozygotes.

Submissions (2):

Ambry Genetics
Classification: Uncertain significance for Inborn genetic diseases. Last evaluated: 2025-04-16. Review status: criteria provided, single submitter. Criteria: Ambry Variant Classification Scheme 2023. Collection method: clinical testing. Allele origin: germline.

Labcorp Genetics (formerly Invitae), Labcorp
Classification: Uncertain significance. Last evaluated: 2025-01-01. Review status: criteria provided, single submitter. Criteria: Invitae Variant Classification Sherloc (09022015). Collection method: clinical testing. Allele origin: germline.
Comment: This sequence change replaces arginine, which is basic and polar, with cysteine, which is neutral and slightly polar, at codon 2488 of the DCHS1 protein (p.Arg2488Cys). This variant is present in population databases (rs747489232, gnomAD 0.006%). This variant has not been reported in the literature in individuals affected with DCHS1-related conditions. ClinVar contains an entry for this variant (Variation ID: 2962923). Invitae Evidence Modeling of protein sequence and biophysical properties (such as structural, functional, and spatial information, amino acid conservation, physicochemical variation, residue mobility, and thermodynamic stability) indicates that this missense variant is not expected to disrupt DCHS1 protein function with a negative predictive value of 80%. In summary, the available evidence is currently insufficient to determine the role of this variant in disease. Therefore, it has been classified as a Variant of Uncertain Significance.